The following is an entry in ClinVar:

ClinVar aggregate classification (germline): Uncertain significance. Review status: criteria provided, multiple submitters, no conflicts (2 of 4 stars). 4 submissions from 4 submitters: Uncertain significance (4). Last evaluated 2025-11-23.

Conditions:
Inborn genetic diseases. Identifiers: MedGen C0950123, MeSH D030342.
Hypokalemic periodic paralysis, type 1. Also called: Hypokalemic Periodic Paralysis Type 1 (AD); HypoPP. Identifiers: Orphanet 681, MedGen C3714580, MONDO:0042979, OMIM 170400.
Hypokalemic periodic paralysis, type 2 (HOKPP2). Identifiers: Orphanet 681, MedGen C2750061, MONDO:0013234, OMIM 613345.
Hyperkalemic periodic paralysis. Also called: Familial hyperkalemic periodic paralysis; Gamstorp disease. Identifiers: Orphanet 682, MedGen C0238357, MONDO:0008224, OMIM 170500, HP:0007215.
Potassium-aggravated myotonia. Also called: MYOTONIA CONGENITA, ACETAZOLAMIDE-RESPONSIVE; MYOTONIA CONGENITA, ATYPICAL; SODIUM CHANNEL MUSCLE DISEASE; Myotonia congenita, atypical, acetazolamide-responsive. Identifiers: Orphanet 612, Orphanet 99734, Orphanet 99735, Orphanet 99736, MedGen C2931826, MONDO:0018959, OMIM 608390.
Congenital myasthenic syndrome 16. Identifiers: Orphanet 590, MedGen C3280112, MONDO:0013620, OMIM 614198.
Paramyotonia congenita of Von Eulenburg. Also called: Paramyotonia Congenita; Eulenburg disease; Myotonia congenita intermittens; Von Eulenburg paramyotonia congenita; PARALYSIS PERIODICA PARAMYOTONICA. Identifiers: Orphanet 684, MedGen C0221055, MONDO:0008195, OMIM 168300. Disease mechanism: loss of function.

Allele frequency attached by ClinVar (database versions not stated): gnomAD exomes 0.00005; gnomAD 0.00011 and 0.00013; ExAC 0.00006; TOPMed 0.00008.
gnomAD v4.1: 30 of 1,613,968 alleles (0.0019%); highest among the groups gnomAD compares: African/African-American, 0.037%; no homozygotes.

Submissions (4):

Labcorp Genetics (formerly Invitae), Labcorp
Classification: Uncertain significance for Hyperkalemic periodic paralysis. Last evaluated: 2025-11-23. Review status: criteria provided, single submitter. Criteria: Invitae Variant Classification Sherloc (09022015). Collection method: clinical testing. Allele origin: germline.
Comment: This sequence change replaces tyrosine, which is neutral and polar, with phenylalanine, which is neutral and non-polar, at codon 1506 of the SCN4A protein (p.Tyr1506Phe). This variant is present in population databases (rs762311521, gnomAD 0.06%). This variant has not been reported in the literature in individuals affected with SCN4A-related conditions. ClinVar contains an entry for this variant (Variation ID: 426715). Invitae Evidence Modeling of protein sequence and biophysical properties (such as structural, functional, and spatial information, amino acid conservation, physicochemical variation, residue mobility, and thermodynamic stability) indicates that this missense variant is expected to disrupt SCN4A protein function with a positive predictive value of 95%. In summary, the available evidence is currently insufficient to determine the role of this variant in disease. Therefore, it has been classified as a Variant of Uncertain Significance.

Ambry Genetics
Classification: Uncertain significance for Inborn genetic diseases. Last evaluated: 2024-04-19. Review status: criteria provided, single submitter. Criteria: Ambry Variant Classification Scheme 2023. Collection method: clinical testing. Allele origin: germline.

GeneDx
Classification: Uncertain significance. Last evaluated: 2023-07-18. Review status: criteria provided, single submitter. Criteria: GeneDx Variant Classification Process June 2021. Collection method: clinical testing. Allele origin: germline. Affected: yes.
Comment: In silico analysis supports that this missense variant has a deleterious effect on protein structure/function; Has not been previously published as pathogenic or benign to our knowledge

Fulgent Genetics
Classification: Uncertain significance for Paramyotonia congenita of Von Eulenburg; Hypokalemic periodic paralysis, type 1; Hyperkalemic periodic paralysis; Potassium-aggravated myotonia; Hypokalemic periodic paralysis, type 2; Congenital myasthenic syndrome 16. Last evaluated: 2022-03-25. Review status: criteria provided, single submitter. Criteria: ACMG Guidelines, 2015. Collection method: clinical testing. Allele origin: unknown.

NM_000334.4(SCN4A):c.4517A>T (p.Tyr1506Phe)

Genes: GH-LCR (growth hormone locus control region; plus strand), SCN4A (sodium voltage-gated channel alpha subunit 4; minus strand). Cytogenetic location: 17q23.3.
Variant type: single nucleotide variant.
Coding change: c.4517A>T on transcript NM_000334.4 (MANE Select); coding-DNA position 4517, A replaced by T.
Protein change: p.Tyr1506Phe; replaces tyrosine 1506 with phenylalanine.
Molecular consequence: missense variant.
Genome position (GRCh38, 1-based): chr17:63,941,765, T>A on the plus strand (A>T on the coding strand, the complement: SCN4A is on the minus strand). VCF-style: chr17-63941765-T-A. GRCh37 (hg19) VCF-style: chr17-62019125-T-A.
Other names: short protein forms Y1506F.
Identifiers: ClinVar variation 426715 (VCV000426715.11), dbSNP rs762311521, ClinGen allele CA8708952.